The following is an entry in ClinVar:

NM_002180.3(IGHMBP2):c.257-279T>C

Gene: IGHMBP2 (immunoglobulin mu DNA binding protein 2; plus strand). Cytogenetic location: 11q13.3.
Variant type: single nucleotide variant.
Coding change: c.257-279T>C on transcript NM_002180.3 (MANE Select); 279 bases into the intron before coding-DNA position 257, T replaced by C.
Molecular consequence: intron variant.
Genome position (GRCh38, 1-based): chr11:68,907,866, T>C. VCF-style: chr11-68907866-T-C. GRCh37 (hg19) VCF-style: chr11-68675334-T-C.
Identifiers: ClinVar variation 672982 (VCV000672982.1), dbSNP rs142133560, ClinGen allele CA223385126.

ClinVar aggregate classification (germline): Likely benign (1 of 4 stars; one submission).

Allele frequency attached by ClinVar (database versions not stated): 1000 Genomes Project 30x 0.00500; 1000 Genomes Project 0.00559; TOPMed 0.01581; gnomAD 0.01840 and 0.01916.
gnomAD v4.1: 2,792 of 152,202 alleles (1.8%); highest among the groups gnomAD compares: Non-Finnish European, 2.8%; 47 homozygotes.

Submission:

GeneDx
Classification: Likely benign. Last evaluated: 2018-06-14. Review status: criteria provided, single submitter. Criteria: GeneDx Variant Classification (06012015). Collection method: clinical testing. Allele origin: germline. Affected: yes.
Comment: This variant is considered likely benign or benign based on one or more of the following criteria: it is a conservative change, it occurs at a poorly conserved position in the protein, it is predicted to be benign by multiple in silico algorithms, and/or has population frequency not consistent with disease.